The following is an entry in ClinVar:

NM_000108.5(DLD):c.1151T>C (p.Ile384Thr)

Gene: DLD (dihydrolipoamide dehydrogenase; plus strand). Cytogenetic location: 7q31.1.
Variant type: single nucleotide variant.
Coding change: c.1151T>C on transcript NM_000108.5 (MANE Select); coding-DNA position 1151, T replaced by C.
Protein change: p.Ile384Thr; replaces isoleucine 384 with threonine.
Molecular consequence: missense variant.
Genome position (GRCh38, 1-based): chr7:107,917,377, T>C. VCF-style: chr7-107917377-T-C. GRCh37 (hg19) VCF-style: chr7-107557822-T-C.
Other names: c.854T>C, p.Ile285Thr (NM_001289750.1); c.1082T>C, p.Ile361Thr (NM_001289751.1); c.1007T>C, p.Ile336Thr (NM_001289752.1); short protein forms I285T, I336T, I361T, I384T.
Identifiers: ClinVar variation 3609444 (VCV003609444.2).
Genomic context (GRCh38, chr7:107,917,377, plus strand): 5'-ACAAAGCAGAGGATGAAGGCATTATCTGTGTTGAAGGAATGGCTGGTGGTGCTGTGCACA[T>C]TGACTACAATTGTGTGCCATCAGTGATTTACACACACCCTGAAGTTGCTTGGGTTGGCAA-3'
Protein context (NP_000099.2, residues 374-394): VEGMAGGAVH[Ile384Thr]DYNCVPSVIY

ClinVar aggregate classification (germline): Uncertain significance (1 of 4 stars; one submission).

Conditions:
Pyruvate dehydrogenase E3 deficiency (DLDD). Also called: DLD DEFICIENCY; E3 DEFICIENCY; Dihydrolipoamide Dehydrogenase E3 Deficiency; Lipoamide dehydrogenase deficiency; Lipoamide dehydrogenase deficiency, lactic acidosis due to; Dihydrolipoamide Dehydrogenase (E3) Deficiency. Identifiers: Orphanet 2394, Orphanet 765, MedGen C5574660, MONDO:0009529, OMIM 246900.

gnomAD v4.1: 1 of 1,614,174 alleles (0.000062%); highest among the groups gnomAD compares: Admixed American, 0.0017%; no homozygotes.

Submission:

Labcorp Genetics (formerly Invitae), Labcorp
Classification: Uncertain significance for Pyruvate dehydrogenase E3 deficiency. Last evaluated: 2024-07-23. Review status: criteria provided, single submitter. Criteria: Invitae Variant Classification Sherloc (09022015). Collection method: clinical testing. Allele origin: germline.
Comment: This sequence change replaces isoleucine, which is neutral and non-polar, with threonine, which is neutral and polar, at codon 384 of the DLD protein (p.Ile384Thr). This variant is present in population databases (no rsID available, gnomAD 0.003%). This variant has not been reported in the literature in individuals affected with DLD-related conditions. Advanced modeling of protein sequence and biophysical properties (such as structural, functional, and spatial information, amino acid conservation, physicochemical variation, residue mobility, and thermodynamic stability) performed at Invitae indicates that this missense variant is not expected to disrupt DLD protein function with a negative predictive value of 80%. In summary, the available evidence is currently insufficient to determine the role of this variant in disease. Therefore, it has been classified as a Variant of Uncertain Significance.